The following is an entry in ClinVar:

NC_000021.9:g.45498389GGGTCCCCTCTCGCCGCCA[1]

Genes: COL18A1 (collagen type XVIII alpha 1 chain; plus strand), SLC19A1 (solute carrier family 19 member 1; minus strand). Cytogenetic location: 21q22.3.
Variant type: Microsatellite.
Molecular consequence: intron variant (on NM_001379500.1).
Genome position: GRCh38 VCF-style: chr21-45498370-CGGTCCCCTCTCGCCGCCAG-C. GRCh37 (hg19) VCF-style: chr21-46918284-CGGTCCCCTCTCGCCGCCAG-C.
Other names: c.2683+747_2683+765del (NM_001379500.1); c.3928+747_3928+765del (NM_130444.3); c.3223+747_3223+765del (NM_030582.4).
Identifiers: ClinVar variation 2652795 (VCV002652795.24), dbSNP rs759758506, ClinGen allele CA10067316.

ClinVar aggregate classification (germline): Benign (1 of 4 stars; one submission).

Submission:

CeGaT Center for Human Genetics Tuebingen
Classification: Benign. Last evaluated: 2024-03-01. Review status: criteria provided, single submitter. Criteria: CeGaT Center For Human Genetics Tuebingen Variant Classification Criteria Version 2. Collection method: clinical testing. Allele origin: germline. Affected: yes. Observed: 2 variant alleles.
Comment: SLC19A1: BS1, BS2